The following is an entry in ClinVar:

ClinVar aggregate classification (germline): Conflicting classifications of pathogenicity. Review status: criteria provided, conflicting classifications (1 of 4 stars). 4 submissions from 4 submitters: Uncertain significance (1); Likely benign (3). Last evaluated 2025-12-06.

Conditions:
Polycystic kidney disease 4 (PKD4). Also called: POLYCYSTIC KIDNEY AND HEPATIC DISEASE 1; POLYCYSTIC KIDNEY DISEASE, INFANTILE, TYPE I; POLYCYSTIC KIDNEY DISEASE 4 WITH OR WITHOUT POLYCYSTIC LIVER DISEASE; Autosomal Recessive Polycystic Kidney Disease – PKHD1; PKD3. Identifiers: MedGen C4540575, MONDO:0033004, OMIM 263200.
Autosomal recessive polycystic kidney disease (ARPKD). Also called: AR polycystic kidney disease. Identifiers: Orphanet 731, Orphanet 8378, MedGen C0085548, MeSH D017044, MONDO:0009889.

Allele frequency attached by ClinVar (database versions not stated): ExAC 0.00003; TOPMed 0.00005; gnomAD 0.00007.
gnomAD v4.1: 45 of 1,610,472 alleles (0.0028%); highest among the groups gnomAD compares: East Asian, 0.022%; no homozygotes.

Submissions (4):

Labcorp Genetics (formerly Invitae), Labcorp
Classification: Likely benign for Autosomal recessive polycystic kidney disease. Last evaluated: 2025-12-06. Review status: criteria provided, single submitter. Criteria: Invitae Variant Classification Sherloc (09022015). Collection method: clinical testing. Allele origin: germline.

CeGaT Center for Human Genetics Tuebingen
Classification: Likely benign. Last evaluated: 2025-02-01. Review status: criteria provided, single submitter. Criteria: CeGaT Center For Human Genetics Tuebingen Variant Classification Criteria Version 2. Collection method: clinical testing. Allele origin: germline. Affected: yes. Observed: 1 variant allele.
Comment: PKHD1: BP4, BP7

Blueprint Genetics
Classification: Likely benign. Last evaluated: 2024-11-22. Review status: criteria provided, single submitter. Criteria: ACMG Guidelines, 2015. Collection method: clinical testing. Allele origin: germline.

Department of Pathology and Laboratory Medicine, Sinai Health System
Classification: Uncertain significance for Polycystic kidney disease 4. Last evaluated: 2022-05-11. Review status: criteria provided, single submitter. Criteria: ACMG Guidelines, 2015. Collection method: clinical testing. Allele origin: germline. Affected: yes.

NM_138694.4(PKHD1):c.4410C>T (p.Ser1470=)

Gene: PKHD1 (PKHD1 ciliary IPT domain containing fibrocystin/polyductin; minus strand). Cytogenetic location: 6p12.2.
Variant type: single nucleotide variant.
Coding change: c.4410C>T on transcript NM_138694.4 (MANE Select); coding-DNA position 4410, C replaced by T.
Protein change: p.Ser1470=; no amino-acid change (serine 1470 retained).
Molecular consequence: synonymous variant.
Genome position (GRCh38, 1-based): chr6:52,025,400, G>A on the plus strand (C>T on the coding strand, the complement: PKHD1 is on the minus strand). VCF-style: chr6-52025400-G-A. GRCh37 (hg19) VCF-style: chr6-51890198-G-A.
Other names: c.4410C>T, p.Ser1470= (NM_170724.3); c.4410C>T (NM_138694.3).
Identifiers: ClinVar variation 2182467 (VCV002182467.19), dbSNP rs755526540, ClinGen allele CA3852725.